The following is an entry in ClinVar:

ClinVar aggregate classification (germline): Benign. Review status: criteria provided, multiple submitters, no conflicts (2 of 4 stars). 5 submissions from 5 submitters: Benign (5). Last evaluated 2026-01-28.

Conditions:
Arthrogryposis, renal dysfunction, and cholestasis 1 (ARCS1). Identifiers: Orphanet 2697, MedGen C1859722, MONDO:0008822, OMIM 208085.

Allele frequency attached by ClinVar (database versions not stated): gnomAD exomes 0.00247 and 0.00665; ExAC 0.00797; gnomAD 0.02563 and 0.02746; ESP Exome Variant Server 0.02740; TOPMed 0.02876; 1000 Genomes Project 0.03155; 1000 Genomes Project 30x 0.03435.
gnomAD v4.1: 7,639 of 1,611,024 alleles (0.47%); highest among the groups gnomAD compares: African/African-American, 8.7%; 287 homozygotes.

Submissions (5):

Labcorp Genetics (formerly Invitae), Labcorp
Classification: Benign. Last evaluated: 2026-01-28. Review status: criteria provided, single submitter. Criteria: Invitae Variant Classification Sherloc (09022015). Collection method: clinical testing. Allele origin: germline.

Mayo Clinic Laboratories, Mayo Clinic
Classification: Benign. Last evaluated: 2023-12-13. Review status: criteria provided, single submitter. Criteria: ACMG Guidelines, 2015. Collection method: clinical testing. Allele origin: germline. Observed: 38 variant alleles.

GeneDx
Classification: Benign. Last evaluated: 2020-04-28. Review status: criteria provided, single submitter. Criteria: GeneDx Variant Classification (06012015). Collection method: clinical testing. Allele origin: germline. Affected: yes.

Illumina Laboratory Services, Illumina
Classification: Benign for Arthrogryposis, renal dysfunction, and cholestasis 1. Last evaluated: 2018-01-12. Review status: criteria provided, single submitter. Criteria: ICSL Variant Classification Criteria 13 December 2019. Collection method: clinical testing. Allele origin: germline.
Comment: This variant was observed in the ICSL laboratory as part of a predisposition screen in an ostensibly healthy population. It had not been previously curated by ICSL or reported in the Human Gene Mutation Database (HGMD: prior to June 1st, 2018), and was therefore a candidate for classification through an automated scoring system. Utilizing variant allele frequency, disease prevalence and penetrance estimates, and inheritance mode, an automated score was calculated to assess if this variant is too frequent to cause the disease. Based on the score and internal cut-off values, a variant classified as benign is not then subjected to further curation. The score for this variant resulted in a classification of benign for this disease.

Breakthrough Genomics
Classification: Benign. Review status: criteria provided, single submitter. Criteria: ACMG Guidelines, 2015. Collection method: not provided. Allele origin: germline. Inheritance: Autosomal recessive inheritance. Affected: yes.

NM_018668.5(VPS33B):c.609A>G (p.Ala203=)

Gene: VPS33B (VPS33B late endosome and lysosome associated; minus strand). Cytogenetic location: 15q26.1.
Variant type: single nucleotide variant.
Coding change: c.609A>G on transcript NM_018668.5 (MANE Select); coding-DNA position 609, A replaced by G.
Protein change: p.Ala203=; no amino-acid change (alanine 203 retained).
Molecular consequence: synonymous variant.
Genome position (GRCh38, 1-based): chr15:91,007,041, T>C on the plus strand (A>G on the coding strand, the complement: VPS33B is on the minus strand). VCF-style: chr15-91007041-T-C. GRCh37 (hg19) VCF-style: chr15-91550271-T-C.
Other names: p.Ala203=; c.528A>G, p.Ala176= (NM_001289148.1); c.336A>G, p.Ala112= (NM_001289149.1).
Identifiers: ClinVar variation 317427 (VCV000317427.17), dbSNP rs76867988, ClinGen allele CA7744978.
Genomic context (GRCh38, chr15:91,007,041, plus strand): 5'-TGGCCTTCGGCCCTTGGTTTCGCCATCCTCCTCCTCCTCCAGGTTCCTCCACAATTCATA[T>C]GCCATCTGCCAGGGCCCAAGACATTCTCAGTCTTGTGTCCAGGTCCCTACTGCAGCCCCA-3'
Protein context (NP_061138.3, residues 193-213): CYGIGRCAKM[Ala203=]YELWRNLEEE